The following is an entry in ClinVar:

NM_006734.4(HIVEP2):c.2312C>T (p.Ser771Phe)

Gene: HIVEP2 (HIVEP zinc finger 2; minus strand). Cytogenetic location: 6q24.2.
Variant type: single nucleotide variant.
Coding change: c.2312C>T on transcript NM_006734.4 (MANE Select); coding-DNA position 2312, C replaced by T.
Protein change: p.Ser771Phe; replaces serine 771 with phenylalanine.
Molecular consequence: missense variant.
Genome position (GRCh38, 1-based): chr6:142,772,427, G>A on the plus strand (C>T on the coding strand, the complement: HIVEP2 is on the minus strand). VCF-style: chr6-142772427-G-A. GRCh37 (hg19) VCF-style: chr6-143093564-G-A.
Other names: short protein forms S771F.
Identifiers: ClinVar variation 2716328 (VCV002716328.3), dbSNP rs2482840268, ClinGen allele CA365910110.

ClinVar aggregate classification (germline): Uncertain significance (1 of 4 stars; one submission).

Allele frequency attached by ClinVar (database versions not stated): gnomAD exomes below 0.00001.
gnomAD v4.1: 1 of 1,614,256 alleles (0.000062%); highest among the groups gnomAD compares: Non-Finnish European, 0.000085%; no homozygotes.

Submission:

Labcorp Genetics (formerly Invitae), Labcorp
Classification: Uncertain significance. Last evaluated: 2023-09-21. Review status: criteria provided, single submitter. Criteria: Invitae Variant Classification Sherloc (09022015). Collection method: clinical testing. Allele origin: germline.
Comment: In summary, the available evidence is currently insufficient to determine the role of this variant in disease. Therefore, it has been classified as a Variant of Uncertain Significance. Advanced modeling of protein sequence and biophysical properties (such as structural, functional, and spatial information, amino acid conservation, physicochemical variation, residue mobility, and thermodynamic stability) performed at Invitae indicates that this missense variant is not expected to disrupt HIVEP2 protein function. This variant has not been reported in the literature in individuals affected with HIVEP2-related conditions. This variant is not present in population databases (gnomAD no frequency). This sequence change replaces serine, which is neutral and polar, with phenylalanine, which is neutral and non-polar, at codon 771 of the HIVEP2 protein (p.Ser771Phe).